The following is an entry in ClinVar:

NM_016235.3(GPRC5B):c.535G>C (p.Glu179Gln)

Gene: GPRC5B (G protein-coupled receptor class C group 5 member B; minus strand). Cytogenetic location: 16p12.3.
Variant type: single nucleotide variant.
Coding change: c.535G>C on transcript NM_016235.3 (MANE Select); coding-DNA position 535, G replaced by C.
Protein change: p.Glu179Gln; replaces glutamic acid 179 with glutamine.
Molecular consequence: missense variant.
Genome position (GRCh38, 1-based): chr16:19,872,311, C>G on the plus strand (G>C on the coding strand, the complement: GPRC5B is on the minus strand). VCF-style: chr16-19872311-C-G. GRCh37 (hg19) VCF-style: chr16-19883633-C-G.
Other names: c.928G>C, p.Glu310Gln (NM_001304771.1); short protein forms E179Q, E310Q.
Identifiers: ClinVar variation 4846802 (VCV004846802.1).

ClinVar aggregate classification (germline): Uncertain significance (1 of 4 stars; one submission).

Conditions:
Megalencephalic leukoencephalopathy with subcortical cysts 3 (MLC3). Identifiers: MedGen C5830625, MONDO:0957533, OMIM 620447.

Submission:

Laboratorio de Genetica e Diagnostico Molecular, Hospital Israelita Albert Einstein
Classification: Uncertain significance for Megalencephalic leukoencephalopathy with subcortical cysts 3. Last evaluated: 2025-07-25. Review status: criteria provided, single submitter. Criteria: ACMG Guidelines, 2015. Collection method: clinical testing. Allele origin: germline. Affected: yes.
Comment: ACMG classification criteria: PM2 supporting, PP3 supporting